The following is an entry in ClinVar:

NM_001129820.2(SLFN14):c.1190T>G (p.Val397Gly)

Genes: SLFN14 (schlafen family member 14; minus strand), LOC107985033 (uncharacterized LOC107985033; plus strand). Cytogenetic location: 17q12.
Variant type: single nucleotide variant.
Coding change: c.1190T>G on transcript NM_001129820.2 (MANE Select); coding-DNA position 1190, T replaced by G.
Protein change: p.Val397Gly; replaces valine 397 with glycine.
Molecular consequence: missense variant. On other transcripts: non-coding transcript variant (2).
Genome position (GRCh38, 1-based): chr17:35,553,444, A>C on the plus strand (T>G on the coding strand, the complement: SLFN14 is on the minus strand). VCF-style: chr17-35553444-A-C. GRCh37 (hg19) VCF-style: chr17-33880463-A-C.
Other names: short protein forms V397G.
Identifiers: ClinVar variation 2411278 (VCV002411278.3), dbSNP rs1481881857, ClinGen allele CA399129228.

ClinVar aggregate classification (germline): Uncertain significance. Review status: criteria provided, multiple submitters, no conflicts (2 of 4 stars). 2 submissions from 2 submitters: Uncertain significance (2). Last evaluated 2025-11-20.

Conditions:
Inborn genetic diseases. Identifiers: MedGen C0950123, MeSH D030342.

Allele frequency attached by ClinVar (database versions not stated): TOPMed 0.00006; gnomAD 0.00007; gnomAD exomes 0.00008.
gnomAD v4.1: 119 of 1,528,254 alleles (0.0078%); highest among the groups gnomAD compares: Admixed American, 0.015%; no homozygotes.

Submissions (2):

Women's Health and Genetics/Laboratory Corporation of America, LabCorp
Classification: Uncertain significance. Last evaluated: 2025-11-20. Review status: criteria provided, single submitter. Criteria: LabCorp Variant Classification Summary - May 2015. Collection method: clinical testing. Allele origin: germline.
Comment: Variant summary: SLFN14 c.1190T>G (p.Val397Gly) results in a non-conservative amino acid change in the encoded protein sequence. Algorithms developed to predict the effect of missense changes on protein structure and function are either unavailable or do not agree on the potential impact of this missense change. Consensus agreement among computation tools predict no significant impact on normal splicing. However, these predictions have yet to be confirmed by functional studies. The variant allele was found at a frequency of 4.5e-05 in 132718 control chromosomes. The available data on variant occurrences in the general population are insufficient to allow any conclusion about variant significance. To our knowledge, no occurrence of c.1190T>G in individuals affected with SLFN14-related conditions and no experimental evidence demonstrating its impact on protein function have been reported. ClinVar contains an entry for this variant (Variation ID: 2411278). Based on the evidence outlined above, the variant was classified as uncertain significance.

Ambry Genetics
Classification: Uncertain significance for Inborn genetic diseases. Last evaluated: 2021-07-14. Review status: criteria provided, single submitter. Criteria: Ambry Variant Classification Scheme 2023. Collection method: clinical testing. Allele origin: germline.